The following is an entry in ClinVar:

NM_002691.4(POLD1):c.1772_1773del (p.Lys591fs)

Gene: POLD1 (DNA polymerase delta 1, catalytic subunit; plus strand). Cytogenetic location: 19q13.33.
Variant type: Deletion.
Coding change: c.1772_1773del on transcript NM_002691.4 (MANE Select); coding-DNA positions 1772 to 1773, 2 bases deleted (AA; older notation c.1772_1773delAA).
Protein change: p.Lys591fs; shifts the reading frame from lysine 591.
Molecular consequence: frameshift variant. On other transcripts: non-coding transcript variant (1).
Genome position (GRCh38, 1-based): chr19:50,407,412-50,407,413, AA deleted; deleting any 2 consecutive bases within chr19:50,407,411-50,407,413 gives the same sequence; the c. name uses the placement nearest the transcript's 3' end. VCF-style (leftmost placement, unchanged base first): chr19-50407410-CAA-C. GRCh37 (hg19) VCF-style: chr19-50910667-CAA-C.
Other names: c.1772_1773del, p.Lys591fs (NM_001256849.1, NM_001308632.1); short protein forms K591fs.
Identifiers: ClinVar variation 2861412 (VCV002861412.3), dbSNP rs1555791532, ClinGen allele CA2739276962.

ClinVar aggregate classification (germline): Uncertain significance (1 of 4 stars; one submission).

Conditions:
POLD1-related polyposis and colorectal cancer syndrome (CRCS10). Also called: Colorectal cancer 10; COLORECTAL CANCER, SUSCEPTIBILITY TO, ON CHROMOSOME 19q; Colorectal cancer, susceptibility to, 10. Identifiers: Orphanet 220460, MedGen C2675481, MONDO:0012953, OMIM 612591.

Submission:

Labcorp Genetics (formerly Invitae), Labcorp
Classification: Uncertain significance for POLD1-related polyposis and colorectal cancer syndrome. Last evaluated: 2023-05-02. Review status: criteria provided, single submitter. Criteria: Invitae Variant Classification Sherloc (09022015). Collection method: clinical testing. Allele origin: germline.
Comment: In summary, the available evidence is currently insufficient to determine the role of this variant in disease. Therefore, it has been classified as a Variant of Uncertain Significance. Experimental studies and prediction algorithms are not available or were not evaluated, and the functional significance of this variant is currently unknown. This variant has not been reported in the literature in individuals affected with POLD1-related conditions. This variant is not present in population databases (gnomAD no frequency). Missense variants that disrupt the 3'-5' exonuclease (proof-reading) activity of the POLD1 protein are associated with PPAP (polymerase proofreading–associated polyposis) (PMID: 23263490, 23447401). However, loss-of-function variants that result in an absent or severely disrupted POLD1 protein, and missense variants outside the exonuclease domain, are unlikely to be associated with PPAP. It is expected to result in an absent or disrupted protein product. However, the current clinical and genetic evidence is not sufficient to establish whether loss-of-function variants in POLD1 cause disease.

Literature cited by the submitters: PubMed 23263490; PubMed 23447401.